The following is an entry in ClinVar:

ClinVar aggregate classification (germline): Benign/Likely benign. Review status: criteria provided, multiple submitters, no conflicts (2 of 4 stars). 3 submissions from 3 submitters: Benign (1); Likely benign (2). Last evaluated 2026-01-19.

Allele frequency attached by ClinVar (database versions not stated): ESP Exome Variant Server 0.00031; 1000 Genomes Project 0.00040; ExAC 0.00051; 1000 Genomes Project 30x 0.00062.
gnomAD v4.1: 642 of 1,613,552 alleles (0.04%); highest among the groups gnomAD compares: Middle Eastern, 0.17%; 4 homozygotes.

Submissions (3):

Labcorp Genetics (formerly Invitae), Labcorp
Classification: Benign. Last evaluated: 2026-01-19. Review status: criteria provided, single submitter. Criteria: Invitae Variant Classification Sherloc (09022015). Collection method: clinical testing. Allele origin: germline.

Blueprint Genetics
Classification: Likely benign. Last evaluated: 2024-11-13. Review status: criteria provided, single submitter. Criteria: ACMG Guidelines, 2015. Collection method: clinical testing. Allele origin: germline.

CeGaT Center for Human Genetics Tuebingen
Classification: Likely benign. Last evaluated: 2024-09-01. Review status: criteria provided, single submitter. Criteria: CeGaT Center For Human Genetics Tuebingen Variant Classification Criteria Version 2. Collection method: clinical testing. Allele origin: germline. Affected: yes. Observed: 1 variant allele.
Comment: QRSL1: BP4, BP7

NM_018292.5(QRSL1):c.1092C>T (p.Thr364=)

Gene: QRSL1 (glutaminyl-tRNA amidotransferase subunit QRSL1; plus strand). Cytogenetic location: 6q21.
Variant type: single nucleotide variant.
Coding change: c.1092C>T on transcript NM_018292.5 (MANE Select); coding-DNA position 1092, C replaced by T.
Protein change: p.Thr364=; no amino-acid change (threonine 364 retained).
Molecular consequence: synonymous variant.
Genome position (GRCh38, 1-based): chr6:106,655,664, C>T. VCF-style: chr6-106655664-C-T. GRCh37 (hg19) VCF-style: chr6-107103539-C-T.
Identifiers: ClinVar variation 2194016 (VCV002194016.19), dbSNP rs138471223, ClinGen allele CA3944947.